The following is an entry in ClinVar:

ClinVar aggregate classification (germline): Uncertain significance. Review status: criteria provided, multiple submitters, no conflicts (2 of 4 stars). 2 submissions from 2 submitters: Uncertain significance (2). Last evaluated 2024-10-03.

Conditions:
Inborn genetic diseases. Identifiers: MedGen C0950123, MeSH D030342.

Allele frequency attached by ClinVar (database versions not stated): gnomAD 0.00001; TOPMed 0.00001; ExAC 0.00002; gnomAD exomes 0.00002.
gnomAD v4.1: 25 of 1,613,970 alleles (0.0015%); highest among the groups gnomAD compares: Middle Eastern, 0.016%; no homozygotes.

Submissions (2):

Ambry Genetics
Classification: Uncertain significance for Inborn genetic diseases. Last evaluated: 2024-10-03. Review status: criteria provided, single submitter. Criteria: Ambry Variant Classification Scheme 2023. Collection method: clinical testing. Allele origin: germline.

Labcorp Genetics (formerly Invitae), Labcorp
Classification: Uncertain significance. Last evaluated: 2023-12-05. Review status: criteria provided, single submitter. Criteria: Invitae Variant Classification Sherloc (09022015). Collection method: clinical testing. Allele origin: germline.
Comment: This sequence change replaces alanine, which is neutral and non-polar, with valine, which is neutral and non-polar, at codon 102 of the TTBK2 protein (p.Ala102Val). This variant is present in population databases (rs764777972, gnomAD 0.003%). This variant has not been reported in the literature in individuals affected with TTBK2-related conditions. Advanced modeling of protein sequence and biophysical properties (such as structural, functional, and spatial information, amino acid conservation, physicochemical variation, residue mobility, and thermodynamic stability) performed at Invitae indicates that this missense variant is expected to disrupt TTBK2 protein function with a positive predictive value of 80%. In summary, the available evidence is currently insufficient to determine the role of this variant in disease. Therefore, it has been classified as a Variant of Uncertain Significance.

NM_173500.4(TTBK2):c.305C>T (p.Ala102Val)

Gene: TTBK2 (tau tubulin kinase 2; minus strand). Cytogenetic location: 15q15.2.
Variant type: single nucleotide variant.
Coding change: c.305C>T on transcript NM_173500.4 (MANE Select); coding-DNA position 305, C replaced by T.
Protein change: p.Ala102Val; replaces alanine 102 with valine.
Molecular consequence: missense variant.
Genome position (GRCh38, 1-based): chr15:42,830,065, G>A on the plus strand (C>T on the coding strand, the complement: TTBK2 is on the minus strand). VCF-style: chr15-42830065-G-A. GRCh37 (hg19) VCF-style: chr15-43122263-G-A.
Other names: short protein forms A102V.
Identifiers: ClinVar variation 2956170 (VCV002956170.4), dbSNP rs764777972, ClinGen allele CA7517506.